The following is an entry in ClinVar:

NM_002907.4(RECQL):c.867G>T (p.Glu289Asp)

Gene: RECQL (RecQ like helicase; minus strand). Cytogenetic location: 12p12.1.
Variant type: single nucleotide variant.
Coding change: c.867G>T on transcript NM_002907.4 (MANE Select); coding-DNA position 867, G replaced by T.
Protein change: p.Glu289Asp; replaces glutamic acid 289 with aspartic acid.
Molecular consequence: missense variant.
Genome position (GRCh38, 1-based): chr12:21,477,803, C>A on the plus strand (G>T on the coding strand, the complement: RECQL is on the minus strand). VCF-style: chr12-21477803-C-A. GRCh37 (hg19) VCF-style: chr12-21630737-C-A.
Other names: c.867G>T, p.Glu289Asp (NM_032941.3); short protein forms E289D.
Identifiers: ClinVar variation 1764282 (VCV001764282.2), dbSNP rs761766310, ClinGen allele CA384123817.

ClinVar aggregate classification (germline): Uncertain significance (1 of 4 stars; one submission).

Submission:

Ambry Genetics
Classification: Uncertain significance. Last evaluated: 2021-04-16. Review status: criteria provided, single submitter. Criteria: Ambry Variant Classification Scheme 2023. Collection method: clinical testing. Allele origin: germline.
Comment: The p.E289D variant (also known as c.867G>T), located in coding exon 6 of the RECQL gene, results from a G to T substitution at nucleotide position 867. The amino acid change results in glutamic acid to aspartic acid at codon 289, an amino acid with highly similar properties. However, this change occurs in the last base pair of coding exon 6, which makes it likely to have some effect on normal mRNA splicing. This nucleotide position is highly conserved in available vertebrate species. In silico splice site analysis predicts that this alteration will weaken the native splice donor site. This amino acid position is highly conserved in available vertebrate species. In addition, as a missense substitution this is predicted to be tolerated by in silico analysis. Since supporting evidence is limited at this time, the clinical significance of this alteration remains unclear.